The following is an entry in ClinVar:

NM_015570.4(AUTS2):c.2375C>T (p.Pro792Leu)

Gene: AUTS2 (activator of transcription and developmental regulator AUTS2; plus strand). Cytogenetic location: 7q11.22.
Variant type: single nucleotide variant.
Coding change: c.2375C>T on transcript NM_015570.4 (MANE Select); coding-DNA position 2375, C replaced by T.
Protein change: p.Pro792Leu; replaces proline 792 with leucine.
Molecular consequence: missense variant.
Genome position (GRCh38, 1-based): chr7:70,787,275, C>T. VCF-style: chr7-70787275-C-T. GRCh37 (hg19) VCF-style: chr7-70252261-C-T.
Other names: c.2375C>T (NM_015570.2); c.2303C>T, p.Pro768Leu (NM_001127231.3); short protein forms P768L, P792L.
Identifiers: ClinVar variation 2657535 (VCV002657535.29), dbSNP rs201841605, ClinGen allele CA4281050.

ClinVar aggregate classification (germline): Uncertain significance. Review status: criteria provided, multiple submitters, no conflicts (2 of 4 stars). 4 submissions from 4 submitters: Uncertain significance (4). Last evaluated 2024-12-07.

Conditions:
Intellectual disability. Also called: Intellectual functioning disability; intellectual disabilities; Intellectual developmental disorder. Identifiers: MedGen C3714756, MeSH D008607, MONDO:0001071, HP:0001249.
Inborn genetic diseases. Identifiers: MedGen C0950123, MeSH D030342.

Allele frequency attached by ClinVar (database versions not stated): ExAC 0.00002; gnomAD 0.00003; TOPMed 0.00003; gnomAD exomes 0.00005; ESP Exome Variant Server 0.00008.
gnomAD v4.1: 74 of 1,614,082 alleles (0.0046%); highest among the groups gnomAD compares: Non-Finnish European, 0.0058%; no homozygotes.

Submissions (4):

Ambry Genetics
Classification: Uncertain significance for Inborn genetic diseases. Last evaluated: 2024-12-07. Review status: criteria provided, single submitter. Criteria: Ambry Variant Classification Scheme 2023. Collection method: clinical testing. Allele origin: germline.

Labcorp Genetics (formerly Invitae), Labcorp
Classification: Uncertain significance. Last evaluated: 2023-06-15. Review status: criteria provided, single submitter. Criteria: Invitae Variant Classification Sherloc (09022015). Collection method: clinical testing. Allele origin: germline.
Comment: This sequence change replaces proline, which is neutral and non-polar, with leucine, which is neutral and non-polar, at codon 792 of the AUTS2 protein (p.Pro792Leu). This variant is present in population databases (rs201841605, gnomAD 0.004%). This variant has not been reported in the literature in individuals affected with AUTS2-related conditions. Advanced modeling of protein sequence and biophysical properties (such as structural, functional, and spatial information, amino acid conservation, physicochemical variation, residue mobility, and thermodynamic stability) performed at Invitae indicates that this missense variant is expected to disrupt AUTS2 protein function. In summary, the available evidence is currently insufficient to determine the role of this variant in disease. Therefore, it has been classified as a Variant of Uncertain Significance.

CeGaT Center for Human Genetics Tuebingen
Classification: Uncertain significance. Last evaluated: 2022-08-01. Review status: criteria provided, single submitter. Criteria: CeGaT Center For Human Genetics Tuebingen Variant Classification Criteria Version 2. Collection method: clinical testing. Allele origin: germline. Affected: yes. Observed: 1 variant allele.

Cambridge Genomics Laboratory, East Genomic Laboratory Hub, NHS Genomic Medicine Service
Classification: Uncertain significance for Intellectual disability. Last evaluated: 2020-03-05. Review status: criteria provided, single submitter. Criteria: ACGS Best Practice Guidelines for Variant Classification in Rare Disease 2020. Collection method: clinical testing. Allele origin: germline. Affected: yes. Observed: 1 variant allele.